The following is an entry in ClinVar:

NM_007327.4(GRIN1):c.2681G>A (p.Arg894His)

Gene: GRIN1 (glutamate ionotropic receptor NMDA type subunit 1; plus strand). Cytogenetic location: 9q34.3.
Variant type: single nucleotide variant.
Coding change: c.2681G>A on transcript NM_007327.4 (MANE Select); coding-DNA position 2681, G replaced by A.
Protein change: p.Arg894His; replaces arginine 894 with histidine.
Molecular consequence: missense variant. On other transcripts: intron variant (3).
Genome position (GRCh38, 1-based): chr9:137,165,277, G>A. VCF-style: chr9-137165277-G-A. GRCh37 (hg19) VCF-style: chr9-140059729-G-A.
Other names: c.2681G>A (NM_007327.3); c.2744G>A, p.Arg915His (NM_001185090.2); c.2652+1373G>A (NM_001185091.2); c.2589+1373G>A (NM_021569.4, NM_000832.7); short protein forms R915H, R894H.
Identifiers: ClinVar variation 2138028 (VCV002138028.8), dbSNP rs1833804499, ClinGen allele CA375728104.

ClinVar aggregate classification (germline): Uncertain significance. Review status: criteria provided, multiple submitters, no conflicts (2 of 4 stars). 3 submissions from 3 submitters: Uncertain significance (3). Last evaluated 2025-11-17.

Conditions:
Neurodevelopmental disorder with or without hyperkinetic movements and seizures, autosomal dominant. Also called: Intellectual disability, autosomal dominant 8. Identifiers: MedGen C3280282, MONDO:0013655, OMIM 614254.
Inborn genetic diseases. Identifiers: MedGen C0950123, MeSH D030342.

Allele frequency attached by ClinVar (database versions not stated): gnomAD exomes below 0.00001; gnomAD 0.00001; TOPMed 0.00001.
gnomAD v4.1: 3 of 1,609,068 alleles (0.00019%); highest among the groups gnomAD compares: Non-Finnish European, 0.00025%; no homozygotes.

Submissions (3):

Labcorp Genetics (formerly Invitae), Labcorp
Classification: Uncertain significance for Neurodevelopmental disorder with or without hyperkinetic movements and seizures, autosomal dominant. Last evaluated: 2025-11-17. Review status: criteria provided, single submitter. Criteria: Invitae Variant Classification Sherloc (09022015). Collection method: clinical testing. Allele origin: germline.
Comment: This sequence change replaces arginine, which is basic and polar, with histidine, which is basic and polar, at codon 894 of the GRIN1 protein (p.Arg894His). This variant is not present in population databases (gnomAD no frequency). This missense change has been observed in individual(s) with clinical features of GRIN1-related conditions (internal data). ClinVar contains an entry for this variant (Variation ID: 2138028). Invitae Evidence Modeling of protein sequence and biophysical properties (such as structural, functional, and spatial information, amino acid conservation, physicochemical variation, residue mobility, and thermodynamic stability) indicates that this missense variant is expected to disrupt GRIN1 protein function with a positive predictive value of 95%. In summary, the available evidence is currently insufficient to determine the role of this variant in disease. Therefore, it has been classified as a Variant of Uncertain Significance.

Ambry Genetics
Classification: Uncertain significance for Inborn genetic diseases. Last evaluated: 2024-11-09. Review status: criteria provided, single submitter. Criteria: Ambry Variant Classification Scheme 2023. Collection method: clinical testing. Allele origin: germline.

Revvity Omics, Revvity
Classification: Uncertain significance. Last evaluated: 2022-10-14. Review status: criteria provided, single submitter. Criteria: ACMG Guidelines, 2015. Collection method: clinical testing. Allele origin: germline.